The following is an entry in ClinVar:

NM_006440.5(TXNRD2):c.505G>A (p.Gly169Ser)

Gene: TXNRD2 (thioredoxin reductase 2; minus strand). Cytogenetic location: 22q11.21.
Variant type: single nucleotide variant.
Coding change: c.505G>A on transcript NM_006440.5 (MANE Select); coding-DNA position 505, G replaced by A.
Protein change: p.Gly169Ser; replaces glycine 169 with serine.
Molecular consequence: missense variant. On other transcripts: non-coding transcript variant (1).
Genome position (GRCh38, 1-based): chr22:19,915,788, C>T on the plus strand (G>A on the coding strand, the complement: TXNRD2 is on the minus strand). VCF-style: chr22-19915788-C-T. GRCh37 (hg19) VCF-style: chr22-19903311-C-T.
Other names: c.505G>A, p.Gly169Ser (NM_001282512.3); c.502G>A, p.Gly168Ser (NM_001352300.2); c.415G>A, p.Gly139Ser (NM_001352301.2); c.217G>A, p.Gly73Ser (NM_001352302.2); c.409G>A, p.Gly137Ser (NM_001352303.2); short protein forms G169S, G137S, G139S, G73S, G168S.
Identifiers: ClinVar variation 414277 (VCV000414277.21), dbSNP rs138462062, ClinGen allele CA10104177.
Genomic context (GRCh38, chr22:19,915,788, plus strand): 5'-GTCCACAAGGAGCCACGCGAGTAAGTCAGATGCTCACCTCTTTCCCACCTTTGGCAACGC[C>T]GCAAACCGTGTGCTCGTCAACAAAGCTGGCTTTGATGTTAAAGTACTTGACTTTTCTGAA-3'
Protein context (NP_006431.2, residues 159-179): ASFVDEHTVC[Gly169Ser]VAKGGKEILL

ClinVar aggregate classification (germline): Conflicting classifications of pathogenicity. Review status: criteria provided, conflicting classifications (1 of 4 stars). 5 submissions from 5 submitters: Uncertain significance (1); Likely benign (3). 1 of the submissions does not count toward it. Last evaluated 2026-01-15.

Conditions:
TXNRD2-related disorder. Also called: TXNRD2-related condition.
Cardiovascular phenotype. Identifiers: MedGen CN230736.
Primary dilated cardiomyopathy (DCM). Also called: Dilated Cardiomyopathy. Identifiers: Orphanet 217604, MedGen C0007193, MeSH D002311, MONDO:0005021, HP:0001644. Inheritance: Various modes of inheritance.

Allele frequency attached by ClinVar (database versions not stated): gnomAD exomes 0.00012 and 0.00028; ExAC 0.00028; ESP Exome Variant Server 0.00106; TOPMed 0.00115; gnomAD 0.00120 and 0.00128; 1000 Genomes Project 0.00180; 1000 Genomes Project 30x 0.00203.
gnomAD v4.1: 367 of 1,614,176 alleles (0.023%); highest among the groups gnomAD compares: African/African-American, 0.44%; no homozygotes.

Submissions (5):

Labcorp Genetics (formerly Invitae), Labcorp
Classification: Likely benign for Primary dilated cardiomyopathy. Last evaluated: 2026-01-15. Review status: criteria provided, single submitter. Criteria: Invitae Variant Classification Sherloc (09022015). Collection method: clinical testing. Allele origin: germline.

Clinical Genomics Laboratory, Washington University in St. Louis
Classification: Uncertain significance. Last evaluated: 2024-05-30. Review status: criteria provided, single submitter. Criteria: ACMG Guidelines, 2015. Collection method: clinical testing. Allele origin: germline.
Comment: A TXNRD2 c.505G>A (p.Gly169Ser) variant was identified. This variant, to our knowledge, has not been reported in the medical literature and is observed on 110/280,980 alleles in the general population (gnomAD v.2.1.1). This variant has been reported in the ClinVar database as a likely benign variant by multiple submitters (ClinVar ID: 414277). Computational predictors suggest that the variant does not impact TXNRD function.

GeneDx
Classification: Likely benign. Last evaluated: 2021-01-22. Review status: criteria provided, single submitter. Criteria: GeneDx Variant Classification Process June 2021. Collection method: clinical testing. Allele origin: germline. Affected: yes.

Ambry Genetics
Classification: Likely benign for Cardiovascular phenotype. Last evaluated: 2018-11-01. Review status: criteria provided, single submitter. Criteria: Ambry Variant Classification Scheme 2023. Collection method: clinical testing. Allele origin: germline.

PreventionGenetics, part of Exact Sciences
Classification: Likely benign for TXNRD2-related condition. Last evaluated: 2023-11-13. Review status: no assertion criteria provided. Collection method: clinical testing. Allele origin: germline. Not counted in ClinVar's aggregate classification.
Comment: This variant is classified as likely benign based on ACMG/AMP sequence variant interpretation guidelines (Richards et al. 2015 PMID: 25741868, with internal and published modifications).